The following is an entry in ClinVar:

ClinVar aggregate classification (germline): Pathogenic/Likely pathogenic. Review status: criteria provided, multiple submitters, no conflicts (2 of 4 stars). 3 submissions from 3 submitters: Pathogenic (1); Likely pathogenic (1). 1 of the submissions does not count toward it. Last evaluated 2025-02-03.

Conditions:
Neuronal ceroid lipofuscinosis 5 (CLN5). Also called: CEROID LIPOFUSCINOSIS, NEURONAL, 5, VARIABLE AGE AT ONSET; Neuronal ceroid lipofuscinosis Finnish variant; NEURONAL CEROID LIPOFUSCINOSIS, LATE INFANTILE, FINNISH VARIANT; CLN5-Related Neuronal Ceroid-Lipofuscinosis. Identifiers: Orphanet 168491, Orphanet 228360, MedGen C1850442, MONDO:0009745, OMIM 256731.
Neuronal ceroid lipofuscinosis. Also called: Neuronal Ceroid Lipofuscinoses. Identifiers: Orphanet 216, Orphanet 79263, MedGen C0027877, MONDO:0016295. Disease mechanism: loss of function.

Allele frequency attached by ClinVar (database versions not stated): gnomAD exomes below 0.00001.

Submissions (3):

Labcorp Genetics (formerly Invitae), Labcorp
Classification: Pathogenic for Neuronal ceroid lipofuscinosis. Last evaluated: 2025-02-03. Review status: criteria provided, single submitter. Criteria: Invitae Variant Classification Sherloc (09022015). Collection method: clinical testing. Allele origin: germline.
Comment: This sequence change creates a premature translational stop signal (p.Thr287Lysfs*4) in the CLN5 gene. While this is not anticipated to result in nonsense mediated decay, it is expected to disrupt the last 121 amino acid(s) of the CLN5 protein. This variant is not present in population databases (gnomAD no frequency). This variant has not been reported in the literature in individuals affected with CLN5-related conditions. ClinVar contains an entry for this variant (Variation ID: 552578). This variant disrupts a region of the CLN5 protein in which other variant(s) (p.Phe325Trpfs*26) have been determined to be pathogenic (internal data). This suggests that this is a clinically significant region of the protein, and that variants that disrupt it are likely to be disease-causing. For these reasons, this variant has been classified as Pathogenic.

Fulgent Genetics
Classification: Likely pathogenic for Neuronal ceroid lipofuscinosis 5. Last evaluated: 2024-04-03. Review status: criteria provided, single submitter. Criteria: ACMG Guidelines, 2015. Collection method: clinical testing. Allele origin: germline.

Counsyl
Classification: Likely pathogenic for Neuronal ceroid lipofuscinosis 5. Last evaluated: 2017-06-15. Review status: no assertion criteria provided. Collection method: clinical testing. Allele origin: unknown. Not counted in ClinVar's aggregate classification.

NM_006493.4(CLN5):c.713_720del (p.Thr238fs)

Gene: CLN5 (CLN5 lysosomal BMP synthase; plus strand). Cytogenetic location: 13q22.3.
Variant type: Deletion.
Coding change: c.713_720del on transcript NM_006493.4 (MANE Select); coding-DNA positions 713 to 720, 8 bases deleted (CCTTTAAC; older notation c.713_720delCCTTTAAC).
Protein change: p.Thr238fs; shifts the reading frame from threonine 238.
Molecular consequence: frameshift variant. On other transcripts: 3 prime UTR variant (1).
Genome position (GRCh38, 1-based): chr13:77,000,605-77,000,612, CCTTTAAC deleted. VCF-style (leftmost placement, unchanged base first): chr13-77000604-ACCTTTAAC-A. GRCh37 (hg19) VCF-style: chr13-77574739-ACCTTTAAC-A.
Other names: c.860_867del (LRG_692t1); c.*162_*169del (NM_001366624.2); short protein forms T238fs.
Identifiers: ClinVar variation 552578 (VCV000552578.10), dbSNP rs1555274344, ClinGen allele CA658823728.
Genomic context (GRCh38, chr13:77,000,604, plus strand): 5'-CCAGAAAAGGGGGCAGAGACATGGTTTGATTCCTACGACTGTTCCAAATTTGTGTTAAGG[ACCTTTAAC>A]AAGTTGGCTGAATTTGGAGCAGAGTTCAAGAACATAGAAACCAACTATACAAGAATATTT-3'